The following is an entry in ClinVar:

ClinVar aggregate classification (germline): Uncertain significance (1 of 4 stars; one submission).

Conditions:
Inborn genetic diseases. Identifiers: MedGen C0950123, MeSH D030342.

Submission:

Ambry Genetics
Classification: Uncertain significance for Inborn genetic diseases. Last evaluated: 2026-08-08. Review status: criteria provided, single submitter. Criteria: Ambry Variant Classification Scheme 2023. Collection method: clinical testing. Allele origin: germline.
Comment: The p.A216S variant (also known as c.646G>T), located in coding exon 5 of the ELANE gene, results from a G to T substitution at nucleotide position 646. The alanine at codon 216 is replaced by serine, an amino acid with similar properties. This amino acid position is conserved. In addition, the in silico prediction for this alteration is inconclusive. Based on the available evidence, the clinical significance of this variant remains unclear.

NM_001972.4(ELANE):c.646G>T (p.Ala216Ser)

Gene: ELANE (elastase, neutrophil expressed; plus strand). Cytogenetic location: 19p13.3.
Variant type: single nucleotide variant.
Coding change: c.646G>T on transcript NM_001972.4 (MANE Select); coding-DNA position 646, G replaced by T.
Protein change: p.Ala216Ser; replaces alanine 216 with serine.
Molecular consequence: missense variant.
Genome position (GRCh38, 1-based): chr19:856,006, G>T. VCF-style: chr19-856006-G-T. GRCh37 (hg19) VCF-style: chr19-856006-G-T.
Other names: short protein forms A216S.
Identifiers: ClinVar variation 5035897 (VCV005035897.1).